The following is an entry in ClinVar:

NM_001166108.2(PALLD):c.1682A>G (p.His561Arg)

Gene: PALLD (palladin, cytoskeletal associated protein; plus strand). Cytogenetic location: 4q32.3.
Variant type: single nucleotide variant.
Coding change: c.1682A>G on transcript NM_001166108.2 (MANE Select); coding-DNA position 1682, A replaced by G.
Protein change: p.His561Arg; replaces histidine 561 with arginine.
Molecular consequence: missense variant.
Genome position (GRCh38, 1-based): chr4:168,711,641, A>G. VCF-style: chr4-168711641-A-G. GRCh37 (hg19) VCF-style: chr4-169632792-A-G.
Other names: c.536A>G, p.His179Arg (NM_001166109.2); c.1682A>G, p.His561Arg (NM_016081.4); c.1682A>G (NM_001166108.1); short protein forms H179R, H561R.
Identifiers: ClinVar variation 1777933 (VCV001777933.3), dbSNP rs757071884, ClinGen allele CA3135711.

ClinVar aggregate classification (germline): Uncertain significance. Review status: criteria provided, single submitter (1 of 4 stars). 2 submissions from 1 submitter: Uncertain significance (2). Last evaluated 2022-12-16.

Conditions:
Inborn genetic diseases. Identifiers: MedGen C0950123, MeSH D030342.
Hereditary cancer-predisposing syndrome. Also called: Neoplastic Syndromes, Hereditary; Tumor predisposition; Hereditary Cancer Syndrome; Hereditary neoplastic syndrome. Identifiers: Orphanet 140162, MedGen C0027672, MeSH D009386, MONDO:0015356.

Allele frequency attached by ClinVar (database versions not stated): ExAC 0.00001.
gnomAD v4.1: 3 of 1,614,120 alleles (0.00019%); highest among the groups gnomAD compares: East Asian, 0.0022%; no homozygotes.

Submissions (2):

Ambry Genetics
Classification: Uncertain significance for Inborn genetic diseases. Last evaluated: 2022-12-16. Review status: criteria provided, single submitter. Criteria: Ambry General Variant Classification Scheme_2022. Collection method: clinical testing. Allele origin: germline. Observed: 1 variant allele.

Ambry Genetics
Classification: Uncertain significance for Hereditary cancer-predisposing syndrome. Last evaluated: 2021-09-22. Review status: criteria provided, single submitter. Criteria: Ambry General Variant Classification Scheme_2022. Collection method: clinical testing. Allele origin: germline. Observed: 1 variant allele.
Comment: The p.H561R variant (also known as c.1682A>G), located in coding exon 9 of the PALLD gene, results from an A to G substitution at nucleotide position 1682. The histidine at codon 561 is replaced by arginine, an amino acid with highly similar properties. This amino acid position is conserved. In addition, this alteration is predicted to be tolerated by in silico analysis. Since supporting evidence is limited at this time, the clinical significance of this alteration remains unclear.